The following is an entry in ClinVar:

NM_000080.4(CHRNE):c.865C>T (p.Leu289Phe)

Genes: C17orf107 (chromosome 17 open reading frame 107; plus strand), CHRNE (cholinergic receptor nicotinic epsilon subunit; minus strand). Cytogenetic location: 17p13.2.
Variant type: single nucleotide variant.
Coding change: c.865C>T on transcript NM_000080.4 (MANE Select); coding-DNA position 865, C replaced by T.
Protein change: p.Leu289Phe; replaces leucine 289 with phenylalanine.
Molecular consequence: missense variant. On other transcripts: 3 prime UTR variant (1).
Genome position (GRCh38, 1-based): chr17:4,900,845, G>A on the plus strand (C>T on the coding strand, the complement: CHRNE is on the minus strand). VCF-style: chr17-4900845-G-A. GRCh37 (hg19) VCF-style: chr17-4804140-G-A.
Other names: L269F; c.*312G>A (NM_001145536.2); short protein forms L289F.
Identifiers: ClinVar variation 18344 (VCV000018344.13), dbSNP rs121909511, ClinGen allele CA128056.

ClinVar aggregate classification (germline): Pathogenic/Likely pathogenic. Review status: criteria provided, multiple submitters, no conflicts (2 of 4 stars). 4 submissions from 4 submitters: Pathogenic (2); Likely pathogenic (1). 1 of the submissions does not count toward it. Last evaluated 2024-01-25.

Conditions:
CHRNE-related disorder. Also called: CHRNE-related condition.
Congenital myasthenic syndrome 4A. Also called: CONGENITAL MYASTHENIC SYNDROME TYPE Ia1; Myasthenic syndrome, congenital, 4a, slow-channel; MYASTHENIC SYNDROME, CONGENITAL, 4A, SLOW-CHANNEL, AUTOSOMAL RECESSIVE. Identifiers: Orphanet 590, MedGen C4225413, MONDO:0011600, OMIM 605809.

Submissions (4):

Labcorp Genetics (formerly Invitae), Labcorp
Classification: Pathogenic for Congenital myasthenic syndrome 4A. Last evaluated: 2024-01-25. Review status: criteria provided, single submitter. Criteria: Invitae Variant Classification Sherloc (09022015). Collection method: clinical testing. Allele origin: germline.
Comment: This sequence change replaces leucine, which is neutral and non-polar, with phenylalanine, which is neutral and non-polar, at codon 289 of the CHRNE protein (p.Leu289Phe). This variant is not present in population databases (gnomAD no frequency). This missense change has been observed in individuals with autosomal dominant congenital myasthenic syndrome (PMID: 7538206, 8872460, 21822932, 27779167). It has also been observed to segregate with disease in related individuals. ClinVar contains an entry for this variant (Variation ID: 18344). Advanced modeling of protein sequence and biophysical properties (such as structural, functional, and spatial information, amino acid conservation, physicochemical variation, residue mobility, and thermodynamic stability) performed at Invitae indicates that this missense variant is expected to disrupt CHRNE protein function with a positive predictive value of 80%. Experimental studies have shown that this missense change affects CHRNE function (PMID: 8872460). For these reasons, this variant has been classified as Pathogenic.

Blueprint Genetics
Classification: Pathogenic for CHRNE-related disorders. Last evaluated: 2019-09-28. Review status: criteria provided, single submitter. Criteria: ACMG Guidelines, 2015. Collection method: clinical testing. Allele origin: germline. Affected: yes. Observed: 1 variant allele.

Genetic Services Laboratory, University of Chicago
Classification: Likely pathogenic. Last evaluated: 2018-11-06. Review status: criteria provided, single submitter. Criteria: ACMG Guidelines, 2015. Collection method: clinical testing. Allele origin: germline. Affected: yes.
Comment: DNA sequence analysis of the CHRNE gene demonstrated the likely pathogenic sequence change, c.865C>T in exon 8, that results in an amino acid change, p.Leu289Phe. The p.Leu289Phe change affects a highly conserved amino acid residue located in a domain of the CHRNE protein that is known to be functional. In-silico pathogenicity prediction tools (SIFT, PolyPhen2, Align GVGD, REVEL) provide contradictory results for the p.Leu289Phe substitution. This particular amino acid change (previously reported as p.Leu269Phe) has been described in patients with slow-channel congenital myasthenic syndrome (PMID: 8872460, 7538206, 27779167). Functional expression studies showed that the p.Leu289Phe mutation slowed the rate of acetylcholine receptor channel closure and increased the apparent affinity for acetylcholine. The mutation also caused pathologic channel openings even in the absence of acetylcholine, resulting in a leaky channel (PMID: 8872460).

OMIM
Classification: Pathogenic for MYASTHENIC SYNDROME, CONGENITAL, 4A, SLOW-CHANNEL. Last evaluated: 1996-09-01. Review status: no assertion criteria provided. Collection method: literature only. Allele origin: germline. Not counted in ClinVar's aggregate classification.

Literature cited by the submitters: PubMed 7538206 (cited by Labcorp Genetics (formerly Invitae), Labcorp and OMIM); PubMed 8872460 (cited by Labcorp Genetics (formerly Invitae), Labcorp and OMIM); PubMed 21822932 (cited by Labcorp Genetics (formerly Invitae), Labcorp); PubMed 27779167 (cited by Labcorp Genetics (formerly Invitae), Labcorp).